The following is an entry in ClinVar:

ClinVar aggregate classification (germline): Uncertain significance. Review status: criteria provided, multiple submitters, no conflicts (2 of 4 stars). 2 submissions from 2 submitters: Uncertain significance (2). Last evaluated 2025-04-23.

Allele frequency attached by ClinVar (database versions not stated): TOPMed 0.00001; gnomAD 0.00002.
gnomAD v4.1: 9 of 1,534,654 alleles (0.00059%); highest among the groups gnomAD compares: African/African-American, 0.0014%; no homozygotes.

Submissions (2):

GeneDx
Classification: Uncertain significance. Last evaluated: 2025-04-23. Review status: criteria provided, single submitter. Criteria: GeneDx Variant Classification Process June 2021. Collection method: clinical testing. Allele origin: germline. Affected: yes.
Comment: In silico analysis supports that this missense variant has a deleterious effect on protein structure/function; Has not been previously published as pathogenic or benign to our knowledge

Labcorp Genetics (formerly Invitae), Labcorp
Classification: Uncertain significance. Last evaluated: 2023-08-18. Review status: criteria provided, single submitter. Criteria: Invitae Variant Classification Sherloc (09022015). Collection method: clinical testing. Allele origin: germline.
Comment: ClinVar contains an entry for this variant (Variation ID: 1921568). This variant has not been reported in the literature in individuals affected with NEFH-related conditions. This variant is present in population databases (no rsID available, gnomAD 0.002%). This sequence change replaces glycine, which is neutral and non-polar, with arginine, which is basic and polar, at codon 83 of the NEFH protein (p.Gly83Arg). Advanced modeling of protein sequence and biophysical properties (such as structural, functional, and spatial information, amino acid conservation, physicochemical variation, residue mobility, and thermodynamic stability) performed at Invitae indicates that this missense variant is not expected to disrupt NEFH protein function. In summary, the available evidence is currently insufficient to determine the role of this variant in disease. Therefore, it has been classified as a Variant of Uncertain Significance.

NM_021076.4(NEFH):c.247G>C (p.Gly83Arg)

Gene: NEFH (neurofilament heavy chain; plus strand). Cytogenetic location: 22q12.2.
Variant type: single nucleotide variant.
Coding change: c.247G>C on transcript NM_021076.4 (MANE Select); coding-DNA position 247, G replaced by C.
Protein change: p.Gly83Arg; replaces glycine 83 with arginine.
Molecular consequence: missense variant.
Genome position (GRCh38, 1-based): chr22:29,480,509, G>C. VCF-style: chr22-29480509-G-C. GRCh37 (hg19) VCF-style: chr22-29876498-G-C.
Other names: c.247G>C (NM_021076.3); short protein forms G83R.
Identifiers: ClinVar variation 1921568 (VCV001921568.6), dbSNP rs971825469, ClinGen allele CA323082814.